The following is an entry in ClinVar:

NM_000051.4(ATM):c.2999A>T (p.Asn1000Ile)

Gene: ATM (ATM serine/threonine kinase; plus strand). Cytogenetic location: 11q22.3.
Variant type: single nucleotide variant.
Coding change: c.2999A>T on transcript NM_000051.4 (MANE Select); coding-DNA position 2999, A replaced by T.
Protein change: p.Asn1000Ile; replaces asparagine 1000 with isoleucine.
Molecular consequence: missense variant.
Genome position (GRCh38, 1-based): chr11:108,271,328, A>T. VCF-style: chr11-108271328-A-T. GRCh37 (hg19) VCF-style: chr11-108142055-A-T.
Other names: c.2999A>T, p.Asn1000Ile (NM_001351834.2); short protein forms N1000I.
Identifiers: ClinVar variation 495389 (VCV000495389.10), dbSNP rs1555085128, ClinGen allele CA382547390.

ClinVar aggregate classification (germline): Uncertain significance. Review status: criteria provided, multiple submitters, no conflicts (2 of 4 stars). 3 submissions from 3 submitters: Uncertain significance (3). Last evaluated 2025-09-01.

Conditions:
Hereditary cancer-predisposing syndrome. Also called: Tumor predisposition; Hereditary neoplastic syndrome; Neoplastic Syndromes, Hereditary; Hereditary Cancer Syndrome. Identifiers: Orphanet 140162, MedGen C0027672, MeSH D009386, MONDO:0015356.
Ataxia-telangiectasia syndrome (AT). Also called: LOUIS-BAR SYNDROME; Cerebello-oculocutaneous telangiectasia; Immunodeficiency with ataxia telangiectasia; Ataxia-telangiectasia, complementation group D; AT, COMPLEMENTATION GROUP C; ATAXIA-TELANGIECTASIA, COMPLEMENTATION GROUP A. Identifiers: Orphanet 100, MedGen C0004135, MONDO:0008840, OMIM 208900.

Submissions (3):

Labcorp Genetics (formerly Invitae), Labcorp
Classification: Uncertain significance for Ataxia-telangiectasia syndrome. Last evaluated: 2025-09-01. Review status: criteria provided, single submitter. Criteria: Invitae Variant Classification Sherloc (09022015). Collection method: clinical testing. Allele origin: germline.
Comment: This sequence change replaces asparagine, which is neutral and polar, with isoleucine, which is neutral and non-polar, at codon 1000 of the ATM protein (p.Asn1000Ile). This variant is not present in population databases (gnomAD no frequency). This variant has not been reported in the literature in individuals affected with ATM-related conditions. ClinVar contains an entry for this variant (Variation ID: 495389). Invitae Evidence Modeling of protein sequence and biophysical properties (such as structural, functional, and spatial information, amino acid conservation, physicochemical variation, residue mobility, and thermodynamic stability) indicates that this missense variant is not expected to disrupt ATM protein function with a negative predictive value of 95%. In summary, the available evidence is currently insufficient to determine the role of this variant in disease. Therefore, it has been classified as a Variant of Uncertain Significance.

Ambry Genetics
Classification: Uncertain significance for Hereditary cancer-predisposing syndrome. Last evaluated: 2024-01-26. Review status: criteria provided, single submitter. Criteria: Ambry Variant Classification Scheme 2023. Collection method: clinical testing. Allele origin: germline.
Comment: The p.N1000I variant (also known as c.2999A>T), located in coding exon 19 of the ATM gene, results from an A to T substitution at nucleotide position 2999. The asparagine at codon 1000 is replaced by isoleucine, an amino acid with dissimilar properties. This amino acid position is not well conserved in available vertebrate species. In addition, this alteration is predicted to be tolerated by in silico analysis. Since supporting evidence is limited at this time, the clinical significance of this alteration remains unclear.

Women's Health and Genetics/Laboratory Corporation of America, LabCorp
Classification: Uncertain significance. Last evaluated: 2016-05-20. Review status: criteria provided, single submitter. Criteria: LabCorp Variant Classification Summary - May 2015. Collection method: clinical testing. Allele origin: germline.
Comment: Variant summary: The ATM c.2999A>T (p.Asn1000Ile) variant involves the alteration of a non-conserved nucleotide. 3/4 in silico tools predict a benign outcome (SNPs&GO not captured due to low reliability index). This variant is absent in 121178 control chromosomes. The variant of interest has not, to our knowledge, been reported in affected individuals via publications and/or reputable databases/clinical diagnostic laboratories; nor evaluated for functional impact by in vivo/vitro studies. Because of the absence of clinical information and the lack of functional studies, the variant was classified as a variant of uncertain significance (VUS) until additional information becomes available.